The following is an entry in ClinVar:

NM_005445.4(SMC3):c.2383A>G (p.Lys795Glu)

Gene: SMC3 (structural maintenance of chromosomes 3; plus strand). Cytogenetic location: 10q25.2.
Variant type: single nucleotide variant.
Coding change: c.2383A>G on transcript NM_005445.4 (MANE Select); coding-DNA position 2383, A replaced by G.
Protein change: p.Lys795Glu; replaces lysine 795 with glutamic acid.
Molecular consequence: missense variant.
Genome position (GRCh38, 1-based): chr10:110,599,768, A>G. VCF-style: chr10-110599768-A-G. GRCh37 (hg19) VCF-style: chr10-112359526-A-G.
Other names: short protein forms K795E.
Identifiers: ClinVar variation 2640829 (VCV002640829.24), dbSNP rs748082231, ClinGen allele CA5688169.

ClinVar aggregate classification (germline): Uncertain significance (1 of 4 stars; one submission).

Allele frequency attached by ClinVar (database versions not stated): gnomAD 0.00001; gnomAD exomes 0.00001; TOPMed 0.00001; ExAC 0.00002.
gnomAD v4.1: 16 of 1,614,024 alleles (0.00099%); highest among the groups gnomAD compares: Non-Finnish European, 0.0013%; no homozygotes.

Submission:

CeGaT Center for Human Genetics Tuebingen
Classification: Uncertain significance. Last evaluated: 2022-07-01. Review status: criteria provided, single submitter. Criteria: CeGaT Center For Human Genetics Tuebingen Variant Classification Criteria Version 2. Collection method: clinical testing. Allele origin: germline. Affected: yes. Observed: 1 variant allele.
Comment: SMC3: PP2